The following is an entry in ClinVar:

ClinVar aggregate classification (germline): Conflicting classifications of pathogenicity. Review status: criteria provided, conflicting classifications (1 of 4 stars). 4 submissions from 4 submitters: Uncertain significance (1); Likely benign (3). Last evaluated 2025-11-12.

Allele frequency attached by ClinVar (database versions not stated): gnomAD exomes below 0.00001 and 0.00001; TOPMed below 0.00001; gnomAD 0.00001.
gnomAD v4.1: 17 of 1,613,874 alleles (0.0011%); highest among the groups gnomAD compares: Middle Eastern, 0.016%; no homozygotes.

Submissions (4):

Labcorp Genetics (formerly Invitae), Labcorp
Classification: Likely benign. Last evaluated: 2025-11-12. Review status: criteria provided, single submitter. Criteria: Invitae Variant Classification Sherloc (09022015). Collection method: clinical testing. Allele origin: germline.

CeGaT Center for Human Genetics Tuebingen
Classification: Likely benign. Last evaluated: 2024-10-01. Review status: criteria provided, single submitter. Criteria: CeGaT Center For Human Genetics Tuebingen Variant Classification Criteria Version 2. Collection method: clinical testing. Allele origin: germline. Affected: yes. Observed: 1 variant allele.
Comment: SETD5: BP4, BP7

Blueprint Genetics
Classification: Likely benign. Last evaluated: 2023-07-11. Review status: criteria provided, single submitter. Criteria: ACMG Guidelines, 2015. Collection method: clinical testing. Allele origin: germline.

Genetic Services Laboratory, University of Chicago
Classification: Uncertain significance. Last evaluated: 2015-09-17. Review status: criteria provided, single submitter. Criteria: ACMG Guidelines, 2015. Collection method: clinical testing. Allele origin: germline. Affected: no.

NM_001080517.3(SETD5):c.2922C>T (p.Asp974=)

Gene: SETD5 (SET domain containing 5; plus strand). Cytogenetic location: 3p25.3.
Variant type: single nucleotide variant.
Coding change: c.2922C>T on transcript NM_001080517.3 (MANE Select); coding-DNA position 2922, C replaced by T.
Protein change: p.Asp974=; no amino-acid change (aspartic acid 974 retained).
Molecular consequence: synonymous variant.
Genome position (GRCh38, 1-based): chr3:9,470,656, C>T. VCF-style: chr3-9470656-C-T. GRCh37 (hg19) VCF-style: chr3-9512340-C-T.
Other names: c.2628C>T, p.Asp876= (NM_001292043.2, NM_001349451.2).
Identifiers: ClinVar variation 436689 (VCV000436689.30), dbSNP rs1049067352, ClinGen allele CA69950048.